The following is an entry in ClinVar:

ClinVar aggregate classification (germline): Uncertain significance (1 of 4 stars; one submission).

Conditions:
Nemaline myopathy 2 (NEM2). Also called: Nemaline myopathy 2, autosomal recessive. Identifiers: MedGen C1850569, MONDO:0009725, OMIM 256030.

Allele frequency attached by ClinVar (database versions not stated): TOPMed 0.00001.
gnomAD v4.1: 1 of 1,613,814 alleles (0.000062%); highest among the groups gnomAD compares: Non-Finnish European, 0.000085%; no homozygotes.

Submission:

Labcorp Genetics (formerly Invitae), Labcorp
Classification: Uncertain significance for Nemaline myopathy 2. Last evaluated: 2021-09-01. Review status: criteria provided, single submitter. Criteria: Invitae Variant Classification Sherloc (09022015). Collection method: clinical testing. Allele origin: germline.
Comment: This sequence change replaces valine with isoleucine at codon 8352 of the NEB protein (p.Val8352Ile). The valine residue is weakly conserved and there is a small physicochemical difference between valine and isoleucine. This variant is not present in population databases (ExAC no frequency). This variant has not been reported in the literature in individuals affected with NEB-related conditions. Algorithms developed to predict the effect of missense changes on protein structure and function are either unavailable or do not agree on the potential impact of this missense change (SIFT: "Tolerated"; PolyPhen-2: "Not Available"; Align-GVGD: "Class C0"). In summary, the available evidence is currently insufficient to determine the role of this variant in disease. Therefore, it has been classified as a Variant of Uncertain Significance.

NM_001164508.2(NEB):c.24949G>A (p.Val8317Ile)

Genes: NEB (nebulin; minus strand), RIF1 (replication timing regulatory factor 1; plus strand). Cytogenetic location: 2q23.3.
Variant type: single nucleotide variant.
Coding change: c.24949G>A on transcript NM_001164508.2 (MANE Select); coding-DNA position 24949, G replaced by A.
Protein change: p.Val8317Ile; replaces valine 8317 with isoleucine.
Molecular consequence: missense variant.
Genome position (GRCh38, 1-based): chr2:151,492,206, C>T on the plus strand (G>A on the coding strand, the complement: NEB is on the minus strand). VCF-style: chr2-151492206-C-T. GRCh37 (hg19) VCF-style: chr2-152348720-C-T.
Other names: c.24949G>A, p.Val8317Ile (NM_001164507.2); c.25054G>A, p.Val8352Ile (NM_001271208.2); c.19381G>A, p.Val6461Ile (NM_004543.5); short protein forms V6461I, V8317I, V8352I.
Identifiers: ClinVar variation 944739 (VCV000944739.6), dbSNP rs1341580706, ClinGen allele CA348773693.